The following is an entry in ClinVar:

ClinVar aggregate classification (germline): Likely benign (1 of 4 stars; one submission).

Conditions:
Acyl-CoA oxidase deficiency. Also called: STRAIGHT-CHAIN ACYL-CoA OXIDASE DEFICIENCY; Pseudoneonatal adrenoleukodystrophy; Peroxisomal acyl-CoA oxidase deficiency. Identifiers: Orphanet 2971, MedGen C1849678, MONDO:0009919, OMIM 264470. Disease mechanism: loss of function.

Allele frequency attached by ClinVar (database versions not stated): 1000 Genomes Project 30x 0.00406; 1000 Genomes Project 0.00419; TOPMed 0.00930; gnomAD 0.00985 and 0.01052.

Submission:

Illumina Laboratory Services, Illumina
Classification: Likely benign for Acyl-CoA oxidase deficiency. Last evaluated: 2018-01-12. Review status: criteria provided, single submitter. Criteria: ICSL Variant Classification Criteria 13 December 2019. Collection method: clinical testing. Allele origin: germline.
Comment: This variant was observed in the ICSL laboratory as part of a predisposition screen in an ostensibly healthy population. It had not been previously curated by ICSL or reported in the Human Gene Mutation Database (HGMD: prior to June 1st, 2018), and was therefore a candidate for classification through an automated scoring system. Utilizing variant allele frequency, disease prevalence and penetrance estimates, and inheritance mode, an automated score was calculated to assess if this variant is too frequent to cause the disease. Based on the score and internal cut-off values, a variant classified as likely benign is not then subjected to further curation. The score for this variant resulted in a classification of likely benign for this disease.

NM_004035.7(ACOX1):c.*4250T>G

Gene: ACOX1 (acyl-CoA oxidase 1; minus strand). Cytogenetic location: 17q25.1.
Variant type: single nucleotide variant.
Coding change: c.*4250T>G on transcript NM_004035.7 (MANE Select); 4250 bases downstream of the stop codon, T replaced by G.
Molecular consequence: 3 prime UTR variant.
Genome position (GRCh38, 1-based): chr17:75,942,498, A>C on the plus strand (T>G on the coding strand, the complement: ACOX1 is on the minus strand). VCF-style: chr17-75942498-A-C. GRCh37 (hg19) VCF-style: chr17-73938579-A-C.
Other names: c.*4250T>G (NM_001185039.2, NM_007292.6).
Identifiers: ClinVar variation 325315 (VCV000325315.5), dbSNP rs112541815, ClinGen allele CA10650209.